The following is an entry in ClinVar:

ClinVar aggregate classification (germline): Benign/Likely benign. Review status: criteria provided, multiple submitters, no conflicts (2 of 4 stars). 7 submissions from 7 submitters: Benign (1); Likely benign (4). 2 of the submissions do not count toward it. Last evaluated 2025-09-02.

Conditions:
Cone-rod dystrophy 7 (CORD7). Identifiers: Orphanet 1872, MedGen C1863634, MONDO:0011355, OMIM 603649.

Allele frequency attached by ClinVar (database versions not stated): 1000 Genomes Project 30x 0.00016; 1000 Genomes Project 0.00020; gnomAD exomes 0.00032; gnomAD 0.00042 and 0.00046; ESP Exome Variant Server 0.00049; TOPMed 0.00049; ExAC 0.00075.
gnomAD v4.1: 743 of 1,565,190 alleles (0.047%); highest among the groups gnomAD compares: Middle Eastern, 0.28%; no homozygotes.

Submissions (7):

Labcorp Genetics (formerly Invitae), Labcorp
Classification: Likely benign. Last evaluated: 2025-09-02. Review status: criteria provided, single submitter. Criteria: Invitae Variant Classification Sherloc (09022015). Collection method: clinical testing. Allele origin: germline.

Blueprint Genetics
Classification: Likely benign. Last evaluated: 2024-11-11. Review status: criteria provided, single submitter. Criteria: ACMG Guidelines, 2015. Collection method: clinical testing. Allele origin: germline.

CeGaT Center for Human Genetics Tuebingen
Classification: Likely benign. Last evaluated: 2022-10-01. Review status: criteria provided, single submitter. Criteria: CeGaT Center For Human Genetics Tuebingen Variant Classification Criteria Version 2. Collection method: clinical testing. Allele origin: germline. Affected: yes. Observed: 1 variant allele.
Comment: RIMS1: BP4, BP7

Illumina Laboratory Services, Illumina
Classification: Benign for Cone-rod dystrophy 7. Last evaluated: 2018-01-12. Review status: criteria provided, single submitter. Criteria: ICSL Variant Classification Criteria 13 December 2019. Collection method: clinical testing. Allele origin: germline.
Comment: This variant was observed in the ICSL laboratory as part of a predisposition screen in an ostensibly healthy population. It had not been previously curated by ICSL or reported in the Human Gene Mutation Database (HGMD: prior to June 1st, 2018), and was therefore a candidate for classification through an automated scoring system. Utilizing variant allele frequency, disease prevalence and penetrance estimates, and inheritance mode, an automated score was calculated to assess if this variant is too frequent to cause the disease. Based on the score and internal cut-off values, a variant classified as benign is not then subjected to further curation. The score for this variant resulted in a classification of benign for this disease.

Breakthrough Genomics
Classification: Likely benign. Review status: criteria provided, single submitter. Criteria: ACMG Guidelines, 2015. Collection method: not provided. Allele origin: germline. Inheritance: Autosomal dominant inheritance. Affected: yes.

Clinical Genetics DNA and cytogenetics Diagnostics Lab, Erasmus MC, Erasmus Medical Center
Classification: Likely benign. Review status: no assertion criteria provided. Collection method: clinical testing. Allele origin: germline. Affected: yes. Study: VKGL Data-share Consensus. Not counted in ClinVar's aggregate classification.

Clinical Genetics, Academic Medical Center
Classification: Benign. Review status: no assertion criteria provided. Collection method: clinical testing. Allele origin: germline. Affected: yes. Study: VKGL Data-share Consensus. Not counted in ClinVar's aggregate classification.

NM_014989.7(RIMS1):c.3786G>A (p.Ser1262=)

Gene: RIMS1 (regulating synaptic membrane exocytosis 1; plus strand). Cytogenetic location: 6q13.
Variant type: single nucleotide variant.
Coding change: c.3786G>A on transcript NM_014989.7 (MANE Select); coding-DNA position 3786, G replaced by A.
Protein change: p.Ser1262=; no amino-acid change (serine 1262 retained).
Molecular consequence: synonymous variant.
Genome position (GRCh38, 1-based): chr6:72,291,982, G>A. VCF-style: chr6-72291982-G-A. GRCh37 (hg19) VCF-style: chr6-73001685-G-A.
Other names: c.1746G>A, p.Ser582= (NM_001168407.2, NM_001350422.2); c.1677G>A, p.Ser559= (NM_001168408.2, NM_001350414.2, NM_001350430.2 and 2 more transcripts); c.1506G>A, p.Ser502= (NM_001168409.2, NM_001350469.2); c.1704G>A, p.Ser568= (NM_001168410.2); c.1830G>A, p.Ser610= (NM_001350415.2, NM_001350445.2); c.1749G>A, p.Ser583= (NM_001350416.2, NM_001350417.2, NM_001350448.2); c.1752G>A, p.Ser584= (NM_001350418.2); c.1521G>A, p.Ser507= (NM_001350419.2, NM_001350423.2, NM_001350444.2); and 31 more.
Identifiers: ClinVar variation 357853 (VCV000357853.44), dbSNP rs369147538, ClinGen allele CA3886356.
Genomic context (GRCh38, chr6:72,291,982, plus strand): 5'-TTTTGCCTGCAGAATGCACCGACAGAGAAGTCCAACACAATCTCCTCCAGCAGACACATC[G>A]TTCAGCAGTCGCAGGGGAAGACAGCTCCCACAAGTGCCAGTGAGAAGCGGCAGTATAGAA-3'
Protein context (NP_055804.2, residues 1252-1272): SPTQSPPADT[Ser1262=]FSSRRGRQLP